The following is an entry in ClinVar:

NM_000175.5(GPI):c.1009G>A (p.Ala337Thr)

Gene: GPI (glucose-6-phosphate isomerase; plus strand). Cytogenetic location: 19q13.11.
Variant type: single nucleotide variant.
Coding change: c.1009G>A on transcript NM_000175.5 (MANE Select); coding-DNA position 1009, G replaced by A.
Protein change: p.Ala337Thr; replaces alanine 337 with threonine.
Molecular consequence: missense variant.
Genome position (GRCh38, 1-based): chr19:34,394,013, G>A. VCF-style: chr19-34394013-G-A. GRCh37 (hg19) VCF-style: chr19-34884918-G-A.
Other names: c.1042G>A, p.Ala348Thr (NM_001184722.1); c.1126G>A, p.Ala376Thr (NM_001289789.1); c.925G>A, p.Ala309Thr (NM_001289790.3); c.1009G>A, p.Ala337Thr (NM_001329909.1, NM_001329910.1, NM_001329911.2); short protein forms A376T, A309T, A337T, A348T.
Identifiers: ClinVar variation 1358825 (VCV001358825.28), dbSNP rs1238884216, ClinGen allele CA405253060.
Genomic context (GRCh38, chr19:34,394,013, plus strand): 5'-CCCGTCTTGCTGGCCCTGCTGGGTATCTGGTACATCAACTGCTTTGGGTGTGAGACACAC[G>A]CCATGCTGCCCTATGACCAGTACCTGCACCGCTTTGCTGCGTACTTCCAGCAGGTACCAG-3'
Protein context (NP_000166.2, residues 327-347): YINCFGCETH[Ala337Thr]MLPYDQYLHR

ClinVar aggregate classification (germline): Pathogenic/Likely pathogenic. Review status: criteria provided, multiple submitters, no conflicts (2 of 4 stars). 5 submissions from 5 submitters: Pathogenic (3); Likely pathogenic (2). Last evaluated 2024-09-08.

Conditions:
Hemolytic anemia due to glucophosphate isomerase deficiency (CNSHA4). Also called: ANEMIA, CONGENITAL, NONSPHEROCYTIC HEMOLYTIC, 4. Identifiers: Orphanet 712, MedGen C0272064, MONDO:0013275, OMIM 613470.

Allele frequency attached by ClinVar (database versions not stated): gnomAD exomes 0.00001.
gnomAD v4.1: 11 of 1,612,730 alleles (0.00068%); highest among the groups gnomAD compares: South Asian, 0.0011%; no homozygotes.

Submissions (5):

Revvity Omics, Revvity
Classification: Likely pathogenic for Hemolytic anemia due to glucophosphate isomerase deficiency. Last evaluated: 2024-09-08. Review status: criteria provided, single submitter. Criteria: ACMG Guidelines, 2015. Collection method: clinical testing. Allele origin: germline.

CeGaT Center for Human Genetics Tuebingen
Classification: Pathogenic. Last evaluated: 2024-03-01. Review status: criteria provided, single submitter. Criteria: CeGaT Center For Human Genetics Tuebingen Variant Classification Criteria Version 2. Collection method: clinical testing. Allele origin: germline. Affected: yes. Observed: 1 variant allele.
Comment: GPI: PM3:Strong, PM1, PM2, PP4, PS3:Supporting

ARUP Laboratories, Molecular Genetics and Genomics, ARUP Laboratories
Classification: Pathogenic for Hemolytic anemia due to glucophosphate isomerase deficiency. Last evaluated: 2023-05-24. Review status: criteria provided, single submitter. Criteria: ARUP Molecular Germline Variant Investigation Process 2024. Collection method: clinical testing. Allele origin: germline.
Comment: The GPI c.1009G>A; p.Ala337Thr variant (rs1238884216) has been reported in the medical literature in four unrelated individuals affected with GPI deficiency and hemolytic anemia (Fermo 2019, Kedar 2019). This variant is also reported in ClinVar (Variation ID: 1358825). The variant is found in the non-Finnish European population with an allele frequency of 0.003% (3 / 113,656 alleles) in the Genome Aggregation Database. Activity assays of the variant enzyme in homozygous and compound heterozygous individuals showed 24-35% of wildtype enzymatic activity (Fermo 2019, Kedar 2019). Computational analyses are uncertain whether this variant is neutral or deleterious (REVEL: 0.69). Based on available information, this variant is considered to be pathogenic. REFERENCES Fermo E et al. Clinical and Molecular Spectrum of Glucose-6-Phosphate Isomerase Deficiency. Report of 12 New Cases. Front Physiol. 2019 PMID: 31133865 Kedar PS et al. Molecular diagnosis of unexplained haemolytic anaemia using targeted next-generation sequencing panel revealed (p.Ala337Thr) novel mutation in GPI gene in two Indian patients. J Clin Pathol. 2019 Jan. PMID: 30337328

Labcorp Genetics (formerly Invitae), Labcorp
Classification: Pathogenic. Last evaluated: 2023-05-23. Review status: criteria provided, single submitter. Criteria: Invitae Variant Classification Sherloc (09022015). Collection method: clinical testing. Allele origin: germline.
Comment: This sequence change replaces alanine, which is neutral and non-polar, with threonine, which is neutral and polar, at codon 337 of the GPI protein (p.Ala337Thr). This variant is present in population databases (no rsID available, gnomAD 0.003%). This missense change has been observed in individual(s) with GPI deficiency (PMID: 30337328, 31133865). ClinVar contains an entry for this variant (Variation ID: 1358825). Advanced modeling of protein sequence and biophysical properties (such as structural, functional, and spatial information, amino acid conservation, physicochemical variation, residue mobility, and thermodynamic stability) performed at Invitae indicates that this missense variant is not expected to disrupt GPI protein function. For these reasons, this variant has been classified as Pathogenic.

Neuberg Centre For Genomic Medicine, NCGM
Classification: Likely pathogenic for Hemolytic anemia due to glucophosphate isomerase deficiency. Last evaluated: 2023-05-20. Review status: criteria provided, single submitter. Criteria: ACMG Guidelines, 2015. Collection method: clinical testing. Allele origin: germline. Inheritance: Autosomal recessive inheritance. Affected: yes.
Comment: The observed missense variant c.1009G>A(p.Ala337Thr) in GPI gene has been reported previously in homozygous, compound heterozygous state in individuals with hemolytic anemia (Kedar PS, et al., 2019, Fermo E, et al., 2019). The structural–functional analysis by bioinformatics tools suggested that this variant has a direct impact on the structural rearrangement at the region near the active site of the enzyme (Kedar PS, et al., 2019). The c.1009G>A variant has 0.001% allele frequency in gnomAD Exomes. This variant has been submitted to the ClinVar database as Pathogenic. However, experimental studies on the pathogenicity of the variant are not available.The amino acid Alanine at position 337 is changed to a Threonine changing protein sequence and it might alter its composition and physico-chemical properties. Multiple lines of computational evidence (Polyphen, SIFT and Mutation Taster) predict a damaging effect on protein structure and function for this variant. The amino acid change p.Ala337Thr in GPI is predicted as conserved by GERP++ and PhyloP across 100 vertebrates. For these reasons, this variant has been classified as Likely Pathogenic.

Literature cited by the submitters: PubMed 30337328 (cited by Labcorp Genetics (formerly Invitae), Labcorp); PubMed 31133865 (cited by Labcorp Genetics (formerly Invitae), Labcorp).